The following is an entry in ClinVar:

ClinVar aggregate classification (germline): Uncertain significance. Review status: criteria provided, multiple submitters, no conflicts (2 of 4 stars). 2 submissions from 2 submitters: Uncertain significance (2). Last evaluated 2023-12-14.

Conditions:
Hereditary cancer-predisposing syndrome. Also called: Neoplastic Syndromes, Hereditary; Tumor predisposition; Hereditary Cancer Syndrome; Hereditary neoplastic syndrome. Identifiers: Orphanet 140162, MedGen C0027672, MeSH D009386, MONDO:0015356.

Allele frequency attached by ClinVar (database versions not stated): gnomAD exomes below 0.00001.
gnomAD v4.1: 1 of 1,600,388 alleles (0.000062%); highest among the groups gnomAD compares: Non-Finnish European, 0.000085%; no homozygotes.

Submissions (2):

Ambry Genetics
Classification: Uncertain significance for Hereditary cancer-predisposing syndrome. Last evaluated: 2023-12-14. Review status: criteria provided, single submitter. Criteria: Ambry Variant Classification Scheme 2023. Collection method: clinical testing. Allele origin: germline.
Comment: The p.T44N variant (also known as c.131C>A), located in coding exon 2 of the RAD50 gene, results from a C to A substitution at nucleotide position 131. The threonine at codon 44 is replaced by asparagine, an amino acid with similar properties. This amino acid position is highly conserved in available vertebrate species. In addition, this alteration is predicted to be tolerated by in silico analysis. Since supporting evidence is limited at this time, the clinical significance of this alteration remains unclear.

Labcorp Genetics (formerly Invitae), Labcorp
Classification: Uncertain significance for Hereditary cancer-predisposing syndrome. Last evaluated: 2020-02-19. Review status: criteria provided, single submitter. Criteria: Invitae Variant Classification Sherloc (09022015). Collection method: clinical testing. Allele origin: germline.
Comment: This sequence change replaces threonine with asparagine at codon 44 of the RAD50 protein (p.Thr44Asn). The threonine residue is highly conserved and there is a small physicochemical difference between threonine and asparagine. This variant is not present in population databases (ExAC no frequency). This variant has not been reported in the literature in individuals with RAD50-related disease. Algorithms developed to predict the effect of missense changes on protein structure and function do not agree on the potential impact of this missense change (SIFT: "Deleterious"; PolyPhen-2: "Probably Damaging"; Align-GVGD: "Class C0"). In summary, the available evidence is currently insufficient to determine the role of this variant in disease. Therefore, it has been classified as a Variant of Uncertain Significance.

NM_005732.4(RAD50):c.131C>A (p.Thr44Asn)

Gene: RAD50 (RAD50 double strand break repair protein; plus strand). Cytogenetic location: 5q31.1.
Variant type: single nucleotide variant.
Coding change: c.131C>A on transcript NM_005732.4 (MANE Select); coding-DNA position 131, C replaced by A.
Protein change: p.Thr44Asn; replaces threonine 44 with asparagine.
Molecular consequence: missense variant.
Genome position (GRCh38, 1-based): chr5:132,559,285, C>A. VCF-style: chr5-132559285-C-A. GRCh37 (hg19) VCF-style: chr5-131894977-C-A.
Other names: short protein forms T44N.
Identifiers: ClinVar variation 457375 (VCV000457375.13), dbSNP rs1229751571, ClinGen allele CA360953122.